The following is an entry in ClinVar:

NM_000219.6(KCNE1):c.253G>A (p.Asp85Asn)

Gene: KCNE1 (potassium voltage-gated channel subfamily E regulatory subunit 1; minus strand). Cytogenetic location: 21q22.12.
Variant type: single nucleotide variant.
Coding change: c.253G>A on transcript NM_000219.6 (MANE Select); coding-DNA position 253, G replaced by A.
Protein change: p.Asp85Asn; replaces aspartic acid 85 with asparagine.
Molecular consequence: missense variant.
Genome position (GRCh38, 1-based): chr21:34,449,382, C>T on the plus strand (G>A on the coding strand, the complement: KCNE1 is on the minus strand). VCF-style: chr21-34449382-C-T. GRCh37 (hg19) VCF-style: chr21-35821680-C-T.
Other names: c.253G>A, p.Asp85Asn (NM_001127668.4, NM_001127669.4, NM_001127670.4 and 4 more transcripts); c.253G>A (LRG_290t1); short protein forms D85N.
Identifiers: ClinVar variation 13479 (VCV000013479.95), dbSNP rs1805128, ClinGen allele CA123130.

ClinVar aggregate classification (germline): Conflicting classifications of pathogenicity; other; risk factor. Review status: criteria provided, conflicting classifications (1 of 4 stars). 23 submissions from 21 submitters: Uncertain significance (2); Benign (6); Likely benign (7). 5 of the submissions do not count toward it. Last evaluated 2026-01-05.

Conditions:
Cardiovascular phenotype. Identifiers: MedGen CN230736.
Familial long QT syndrome (RWS). Also called: Romano-Ward syndrome; VENTRICULAR FIBRILLATION WITH PROLONGED QT INTERVAL; Congenital long QT syndrome. Identifiers: Orphanet 768, MedGen C1141890, MONDO:0019171.
Long QT syndrome 2/5, digenic (LQT2/5, DIGENIC). Also called: Long QT syndrome 2/5. Identifiers: MedGen C3279092.
Long QT syndrome 5 (LQT5). Identifiers: Orphanet 101016, Orphanet 768, MedGen C1867904, MONDO:0013372, OMIM 613695.
Jervell and Lange-Nielsen syndrome 2 (JLNS2). Identifiers: Orphanet 768, Orphanet 90647, MedGen C2676723, MONDO:0012871, OMIM 612347.
Cardiomyopathy (CMYO). Also called: Cardiomyopathies. Identifiers: Orphanet 167848, MedGen C0878544, MONDO:0004994, HP:0001638. Inheritance: Various modes of inheritance.
Long QT syndrome (LQTS). Identifiers: MedGen C0023976, MeSH D008133, MONDO:0002442. Disease mechanism: loss of function. Inheritance: Various modes of inheritance.
Long QT syndrome 5, acquired, susceptibility to. Identifiers: MedGen C3150956.

Allele frequency attached by ClinVar (database versions not stated): gnomAD 0.00841; ExAC 0.00916; gnomAD exomes 0.00944; 1000 Genomes Project 0.00379.

Submissions 1 to 16 of 24:

Women's Health and Genetics/Laboratory Corporation of America, LabCorp
Classification: Likely benign. Last evaluated: 2026-01-05. Review status: criteria provided, single submitter. Criteria: LabCorp Variant Classification Summary - May 2015. Collection method: clinical testing. Allele origin: germline.
Comment: Variant summary: KCNE1 c.253G>A (p.Asp85Asn) results in a conservative amino acid change in the encoded protein sequence. Algorithms developed to predict the effect of missense changes on protein structure and function all suggest that this variant is likely to be tolerated. The variant allele was found at a frequency of 0.0094 in 255630 control chromosomes in the gnomAD database, including 20 homozygotes. The observed variant frequency exceeds the estimated maximal expected allele frequency for disease-causing variants in KCNE1. c.253G>A has been observed in individual(s) affected with Long QT Syndrome. These data do not allow any conclusion about variant significance. At least one publication reports experimental evidence evaluating an impact on protein function indicating some impact on protein function (Nishio_2009, Nof_2011, Du_2013, Sakata_2014, Lane_2018). The following publications have been ascertained in the context of this evaluation (PMID: 16922724, 19305408, 14661677, 21712262, 21244686, 19695459, 20823649, 26743238, 25737393, 28003625, 24400172, 24499369, 29625280, 30910390, 31308327, 31376648, 30847666, 32429735). ClinVar contains an entry for this variant (Variation ID: 13479). Based on the evidence outlined above, the variant was classified as likely benign.

CeGaT Center for Human Genetics Tuebingen
Classification: Likely benign. Last evaluated: 2025-09-01. Review status: criteria provided, single submitter. Criteria: CeGaT Center For Human Genetics Tuebingen Variant Classification Criteria Version 2. Collection method: clinical testing. Allele origin: germline. Affected: yes. Observed: 22 variant alleles.
Comment: KCNE1: BS1

Mayo Clinic Laboratories, Mayo Clinic
Classification: Likely benign. Last evaluated: 2025-08-22. Review status: criteria provided, single submitter. Criteria: ACMG Guidelines, 2015. Collection method: clinical testing. Allele origin: germline. Observed: 38 variant alleles.
Comment: BA1, BS1, BS2

ARUP Laboratories, Molecular Genetics and Genomics, ARUP Laboratories
Classification: Benign. Last evaluated: 2025-06-12. Review status: criteria provided, single submitter. Criteria: ARUP Molecular Germline Variant Investigation Process 2024. Collection method: clinical testing. Allele origin: germline.

Blueprint Genetics
Classification: Likely benign. Last evaluated: 2024-11-28. Review status: criteria provided, single submitter. Criteria: ACMG Guidelines, 2015. Collection method: clinical testing. Allele origin: germline.

Labcorp Genetics (formerly Invitae), Labcorp
Classification: Benign for Long QT syndrome. Last evaluated: 2020-12-07. Review status: criteria provided, single submitter. Criteria: Invitae Variant Classification Sherloc (09022015). Collection method: clinical testing. Allele origin: germline.

Laboratory for Molecular Medicine, Mass General Brigham Personalized Medicine
Classification: risk factor for Familial long QT syndrome. Last evaluated: 2020-03-04. Review status: criteria provided, single submitter. Criteria: LMM Criteria. Collection method: clinical testing. Allele origin: germline. Observed: 32 variant alleles.
Comment: KCNE1 c.253G>A (p.Asp85Asn) has been associated with increased risk for long QT syndrome. This variant has been observed in multiple ethnic backgrounds with highest frequencies in individuals of Ashkenazi Jewish ancestry (2.5%, Genome Aggregation Database (gnomAD); rs1805128) and is present in ClinVar (ID: 13479). Several studies have also reported an odds ratio of 4.2-8.9 for developing Long QT syndrome in heterozygous carriers of this variant (OR=8.88 [95% CI 3.26-24.17] Kaab 2011, OR=4.21 [95% CI 1.17-15.16] Gouas 2005). In vitro functional studies provide some evidence that this variant may impact protein function (Nishio 2009). In summary, this variant is a likely risk factor for Long QT syndrome.

Center for Advanced Laboratory Medicine, UC San Diego Health, University of California San Diego
Classification: Benign for Cardiomyopathy. Last evaluated: 2019-04-01. Review status: criteria provided, single submitter. Criteria: ACMG Guidelines, 2015. Collection method: clinical testing. Allele origin: germline. Affected: yes. Observed: 2 variant alleles.

Centre for Mendelian Genomics, University Medical Centre Ljubljana
Classification: Uncertain significance for Jervell and Lange-Nielsen syndrome 2. Last evaluated: 2018-10-15. Review status: criteria provided, single submitter. Criteria: ACMG Guidelines, 2015. Collection method: clinical testing. Allele origin: unknown. Affected: yes.
Comment: This variant was classified as: Uncertain significance. The available evidence on this variant's pathogenicity is insufficient or conflicting. The following ACMG criteria were applied in classifying this variant: PS3,PS4,PP5,BS1,BP6.

Ambry Genetics
Classification: Likely benign for Cardiovascular phenotype. Last evaluated: 2018-06-25. Review status: criteria provided, single submitter. Criteria: Ambry Variant Classification Scheme 2023. Collection method: clinical testing. Allele origin: germline.

Molecular Diagnostic Laboratory for Inherited Cardiovascular Disease, Montreal Heart Institute
Classification: other. Last evaluated: 2017-07-24. Review status: criteria provided, single submitter. Criteria: ACMG Guidelines, 2015. Collection method: clinical testing. Allele origin: germline. Affected: yes.

Human Genome Sequencing Center Clinical Lab, Baylor College of Medicine
Classification: risk factor for Long QT syndrome 5. Last evaluated: 2017-06-08. Review status: criteria provided, single submitter. Criteria: ACMG Guidelines, 2015. Collection method: clinical testing. Allele origin: germline.
Comment: This c.253G>A (p.D85N) variant (rs1805128) in the KCNE1 gene is a potassium channel susceptibility allele for with diLQTS, defined as documented torsades de pointes during treatment with a QT-prolonging drug [PMID 22100668, 24400172, 22999324, 14760488, 21244686, 17161064]. The variant has also been associated with longer QT [PMID 16132053]. A previous study has shown to predict diLQTS with an odds ratio of 9.0 (95% confidence interval, 3.5Ã¢â‚¬â€œ22.9) [PMID 22100668]. This variant is considered a risk allele for drug induced long QT.

Illumina Laboratory Services, Illumina
Classification: Likely benign for Jervell and Lange-Nielsen syndrome 2. Last evaluated: 2017-04-27. Review status: criteria provided, single submitter. Criteria: ICSL Variant Classification Criteria 13 December 2019. Collection method: clinical testing. Allele origin: germline.
Comment: This variant was observed as part of a predisposition screen in an ostensibly healthy population. A literature search was performed for the gene, cDNA change, and amino acid change (where applicable). No publications were found based on this search. Allele frequency data from public databases allowed determination this variant is unlikely to cause disease. Therefore, this variant is classified as likely benign.

Illumina Laboratory Services, Illumina
Classification: Likely benign for Long QT syndrome 5. Last evaluated: 2017-04-27. Review status: criteria provided, single submitter. Criteria: ICSL Variant Classification Criteria 13 December 2019. Collection method: clinical testing. Allele origin: germline.
Comment: This variant was observed as part of a predisposition screen in an ostensibly healthy population. A literature search was performed for the gene, cDNA change, and amino acid change (where applicable). Publications were found based on this search. The evidence from the literature, in combination with allele frequency data from public databases where available, was sufficient to determine this variant is unlikely to cause disease. Therefore, this variant is classified as likely benign.

Eurofins Ntd Llc (ga)
Classification: Benign. Last evaluated: 2015-09-21. Review status: criteria provided, single submitter. Criteria: EGL Classification Definitions 2015. Collection method: clinical testing. Allele origin: germline. Observed: 1 variant allele, 1 heterozygote.

GeneDx
Classification: Benign. Last evaluated: 2015-03-03. Review status: criteria provided, single submitter. Criteria: GeneDx Variant Classification Process June 2021. Collection method: clinical testing. Allele origin: germline. Affected: yes.
Comment: This variant is associated with the following publications: (PMID: 19019189, 32429735, 31447099, 31918855, 30384889, 17266934, 29874177, 28798025, 28003625, 29625280, 29540472, 27509294, 14760488, 24400172, 24561134, 19695459, 22999324, 20823649, 25119684, 16823764, 23237912, 23631430, 22995991, 21712262, 16132053, 22378279, 15051636, 22100668, 21244686, 17161064)